The following is an entry in ClinVar:

NM_003737.4(DCHS1):c.595C>T (p.Pro199Ser)

Gene: DCHS1 (dachsous cadherin-related 1; minus strand). Cytogenetic location: 11p15.4.
Variant type: single nucleotide variant.
Coding change: c.595C>T on transcript NM_003737.4 (MANE Select); coding-DNA position 595, C replaced by T.
Protein change: p.Pro199Ser; replaces proline 199 with serine.
Molecular consequence: missense variant.
Genome position (GRCh38, 1-based): chr11:6,641,019, G>A on the plus strand (C>T on the coding strand, the complement: DCHS1 is on the minus strand). VCF-style: chr11-6641019-G-A. GRCh37 (hg19) VCF-style: chr11-6662250-G-A.
Other names: c.595C>T (NM_003737.2); short protein forms P199S.
Identifiers: ClinVar variation 2174540 (VCV002174540.5), dbSNP rs1402444127, ClinGen allele CA379441704.

ClinVar aggregate classification (germline): Uncertain significance. Review status: criteria provided, multiple submitters, no conflicts (2 of 4 stars). 2 submissions from 2 submitters: Uncertain significance (2). Last evaluated 2025-09-10.

Conditions:
Inborn genetic diseases. Identifiers: MedGen C0950123, MeSH D030342.

Allele frequency attached by ClinVar (database versions not stated): TOPMed 0.00002; gnomAD 0.00003.
gnomAD v4.1: 38 of 1,613,872 alleles (0.0024%); highest among the groups gnomAD compares: Non-Finnish European, 0.0031%; no homozygotes.

Submissions (2):

Labcorp Genetics (formerly Invitae), Labcorp
Classification: Uncertain significance. Last evaluated: 2025-09-10. Review status: criteria provided, single submitter. Criteria: Invitae Variant Classification Sherloc (09022015). Collection method: clinical testing. Allele origin: germline.
Comment: This sequence change replaces proline, which is neutral and non-polar, with serine, which is neutral and polar, at codon 199 of the DCHS1 protein (p.Pro199Ser). This variant is present in population databases (no rsID available, gnomAD 0.007%). This variant has not been reported in the literature in individuals affected with DCHS1-related conditions. ClinVar contains an entry for this variant (Variation ID: 2174540). Invitae Evidence Modeling of protein sequence and biophysical properties (such as structural, functional, and spatial information, amino acid conservation, physicochemical variation, residue mobility, and thermodynamic stability) indicates that this missense variant is not expected to disrupt DCHS1 protein function with a negative predictive value of 95%. In summary, the available evidence is currently insufficient to determine the role of this variant in disease. Therefore, it has been classified as a Variant of Uncertain Significance.

Ambry Genetics
Classification: Uncertain significance for Inborn genetic diseases. Last evaluated: 2025-05-01. Review status: criteria provided, single submitter. Criteria: Ambry Variant Classification Scheme 2023. Collection method: clinical testing. Allele origin: germline.